The following is an entry in ClinVar:

ClinVar aggregate classification (germline): Benign. Review status: criteria provided, multiple submitters, no conflicts (2 of 4 stars). 5 submissions from 5 submitters: Benign (4). 1 of the submissions does not count toward it. Last evaluated 2026-02-04.

Conditions:
NEFH-related disorder. Also called: NEFH-related condition.

Allele frequency attached by ClinVar (database versions not stated): ExAC 0.00381; ESP Exome Variant Server 0.03855; gnomAD 0.06145; TOPMed 0.06620; 1000 Genomes Project 0.06969; 1000 Genomes Project 30x 0.07714.
gnomAD v4.1: 18,144 of 1,531,424 alleles (1.2%); highest among the groups gnomAD compares: African/African-American, 22%; 1,784 homozygotes.

Submissions (5):

Labcorp Genetics (formerly Invitae), Labcorp
Classification: Benign. Last evaluated: 2026-02-04. Review status: criteria provided, single submitter. Criteria: Invitae Variant Classification Sherloc (09022015). Collection method: clinical testing. Allele origin: germline.

Mayo Clinic Laboratories, Mayo Clinic
Classification: Benign. Last evaluated: 2022-03-24. Review status: criteria provided, single submitter. Criteria: ACMG Guidelines, 2015. Collection method: clinical testing. Allele origin: germline. Observed: 31 variant alleles.

GeneDx
Classification: Benign. Last evaluated: 2021-04-02. Review status: criteria provided, single submitter. Criteria: GeneDx Variant Classification Process June 2021. Collection method: clinical testing. Allele origin: germline. Affected: yes.

Breakthrough Genomics
Classification: Benign. Review status: criteria provided, single submitter. Criteria: ACMG Guidelines, 2015. Collection method: not provided. Allele origin: germline. Inheritance: Autosomal recessive inheritance. Affected: yes.

PreventionGenetics, part of Exact Sciences
Classification: Benign for NEFH-related condition. Last evaluated: 2020-02-24. Review status: no assertion criteria provided. Collection method: clinical testing. Allele origin: germline. Not counted in ClinVar's aggregate classification.
Comment: This variant is classified as benign based on ACMG/AMP sequence variant interpretation guidelines (Richards et al. 2015 PMID: 25741868, with internal and published modifications).

NM_021076.4(NEFH):c.759G>T (p.Ala253=)

Gene: NEFH (neurofilament heavy chain; plus strand). Cytogenetic location: 22q12.2.
Variant type: single nucleotide variant.
Coding change: c.759G>T on transcript NM_021076.4 (MANE Select); coding-DNA position 759, G replaced by T.
Protein change: p.Ala253=; no amino-acid change (alanine 253 retained).
Molecular consequence: synonymous variant.
Genome position (GRCh38, 1-based): chr22:29,481,021, G>T. VCF-style: chr22-29481021-G-T. GRCh37 (hg19) VCF-style: chr22-29877010-G-T.
Other names: p.Ala253=.
Identifiers: ClinVar variation 788931 (VCV000788931.16), dbSNP rs76208639, ClinGen allele CA10174033.